The following is an entry in ClinVar:

ClinVar aggregate classification (germline): Conflicting classifications of pathogenicity. Review status: criteria provided, conflicting classifications (1 of 4 stars). 3 submissions from 3 submitters: Uncertain significance (2); Likely benign (1). Last evaluated 2025-04-03.

Conditions:
Cardiovascular phenotype. Identifiers: MedGen CN230736.

Allele frequency attached by ClinVar (database versions not stated): gnomAD exomes below 0.00001 and 0.00001; gnomAD 0.00006; TOPMed 0.00006; ESP Exome Variant Server 0.00008.
gnomAD v4.1: 14 of 1,613,928 alleles (0.00087%); highest among the groups gnomAD compares: African/African-American, 0.016%; no homozygotes.

Submissions (3):

Labcorp Genetics (formerly Invitae), Labcorp
Classification: Likely benign. Last evaluated: 2025-04-03. Review status: criteria provided, single submitter. Criteria: Invitae Variant Classification Sherloc (09022015). Collection method: clinical testing. Allele origin: germline.

Ambry Genetics
Classification: Uncertain significance for Cardiovascular phenotype. Last evaluated: 2023-08-02. Review status: criteria provided, single submitter. Criteria: Ambry Variant Classification Scheme 2023. Collection method: clinical testing. Allele origin: germline.
Comment: The p.S2186F variant (also known as c.6557C>T), located in coding exon 48 of the ABCA1 gene, results from a C to T substitution at nucleotide position 6557. The serine at codon 2186 is replaced by phenylalanine, an amino acid with highly dissimilar properties. This amino acid position is conserved. In addition, this alteration is predicted to be deleterious by in silico analysis. Since supporting evidence is limited at this time, the clinical significance of this alteration remains unclear.

Mayo Clinic Laboratories, Mayo Clinic
Classification: Uncertain significance. Last evaluated: 2022-02-04. Review status: criteria provided, single submitter. Criteria: ACMG Guidelines, 2015. Collection method: clinical testing. Allele origin: germline. Observed: 2 variant alleles.

NM_005502.4(ABCA1):c.6557C>T (p.Ser2186Phe)

Genes: ABCA1 (ATP binding cassette subfamily A member 1; minus strand), NIPSNAP3B (nipsnap homolog 3B; plus strand). Cytogenetic location: 9q31.1.
Variant type: single nucleotide variant.
Coding change: c.6557C>T on transcript NM_005502.4 (MANE Select); coding-DNA position 6557, C replaced by T.
Protein change: p.Ser2186Phe; replaces serine 2186 with phenylalanine.
Molecular consequence: missense variant.
Genome position (GRCh38, 1-based): chr9:104,785,484, G>A on the plus strand (C>T on the coding strand, the complement: ABCA1 is on the minus strand). VCF-style: chr9-104785484-G-A. GRCh37 (hg19) VCF-style: chr9-107547765-G-A.
Other names: p.Ser2186Phe; short protein forms S2186F.
Identifiers: ClinVar variation 1694003 (VCV001694003.8), dbSNP rs372207376, ClinGen allele CA197396593.
Genomic context (GRCh38, chr9:104,785,484, plus strand): 5'-TAGTCTTCTATGTGGAGTCGCTTTTTGCTCTGGGAGAGGATGCTGAATATCCTGGCCAGA[G>A]AAGATAATGAAGATGGAAGCTGGTATTGTAGCATGTTCCGGTGTTTCTCTTTTAGAACAC-3'
Protein context (NP_005493.2, residues 2176-2196): LQYQLPSSLS[Ser2186Phe]LARIFSILSQ